The following is an entry in ClinVar:

ClinVar aggregate classification (germline): Pathogenic (1 of 4 stars; one submission).

Conditions:
Cardiovascular phenotype. Identifiers: MedGen CN230736.
Hereditary cancer-predisposing syndrome. Also called: Hereditary Cancer Syndrome; Hereditary neoplastic syndrome; Neoplastic Syndromes, Hereditary; Tumor predisposition. Identifiers: Orphanet 140162, MedGen C0027672, MeSH D009386, MONDO:0015356.

Submission:

Ambry Genetics
Classification: Pathogenic for Cardiovascular phenotype; Hereditary cancer-predisposing syndrome. Last evaluated: 2021-11-03. Review status: criteria provided, single submitter. Criteria: Ambry Variant Classification Scheme 2023. Collection method: clinical testing. Allele origin: germline.
Comment: The c.4301_4317del17 variant, located in coding exon 32 of the NF1 gene, results from a deletion of 17 nucleotides at nucleotide positions 4301 to 4317, causing a translational frameshift with a predicted alternate stop codon (p.F1434Yfs*6). This alteration is expected to result in loss of function by premature protein truncation or nonsense-mediated mRNA decay. As such, this alteration is interpreted as a disease-causing mutation.

NM_001042492.3(NF1):c.4364_4380del (p.Phe1455fs)

Gene: NF1 (neurofibromin 1; plus strand). Cytogenetic location: 17q11.2.
Variant type: Deletion.
Coding change: c.4364_4380del on transcript NM_001042492.3 (MANE Select); coding-DNA positions 4364 to 4380, 17 bases deleted (TCACAAAAGAAGAACAT).
Protein change: p.Phe1455fs; shifts the reading frame from phenylalanine 1455.
Molecular consequence: frameshift variant.
Genome position (GRCh38, 1-based): chr17:31,259,063-31,259,079, TCACAAAAGAAGAACAT deleted; deleting any 17 consecutive bases within chr17:31,259,062-31,259,079 gives the same sequence; the c. name uses the placement nearest the transcript's 3' end. VCF-style (leftmost placement, unchanged base first): chr17-31259061-CTTCACAAAAGAAGAACA-C. GRCh37 (hg19) VCF-style: chr17-29586079-CTTCACAAAAGAAGAACA-C.
Other names: c.4301_4317del17 (NM_000267.3); c.4301_4317del17, p.Phe1434Tyrfs (NM_000267.4); short protein forms F1434fs, F1455fs.
Identifiers: ClinVar variation 1739561 (VCV001739561.2), dbSNP rs2508413685, ClinGen allele CA2580093020.